The following is an entry in ClinVar:

ClinVar aggregate classification (germline): Uncertain significance. Review status: criteria provided, multiple submitters, no conflicts (2 of 4 stars). 4 submissions from 4 submitters: Uncertain significance (4). Last evaluated 2025-08-12.

Conditions:
Hereditary cancer-predisposing syndrome. Also called: Neoplastic Syndromes, Hereditary; Hereditary Cancer Syndrome; Tumor predisposition; Hereditary neoplastic syndrome. Identifiers: Orphanet 140162, MedGen C0027672, MeSH D009386, MONDO:0015356.
Familial adenomatous polyposis 1 (FAP1). Also called: POLYPOSIS, ADENOMATOUS INTESTINAL; FAMILIAL ADENOMATOUS POLYPOSIS 1, ATTENUATED. Identifiers: MedGen C2713442, MONDO:0021056, OMIM 175100. Disease mechanism: loss of function.

gnomAD v4.1: 1 of 1,613,966 alleles (0.000062%); highest among the groups gnomAD compares: Non-Finnish European, 0.000085%; no homozygotes.

Submissions (4):

Ambry Genetics
Classification: Uncertain significance for Hereditary cancer-predisposing syndrome. Last evaluated: 2025-08-12. Review status: criteria provided, single submitter. Criteria: Ambry Variant Classification Scheme 2023. Collection method: clinical testing. Allele origin: germline.
Comment: The p.Q2375H variant (also known as c.7125A>C), located in coding exon 15 of the APC gene, results from an A to C substitution at nucleotide position 7125. The glutamine at codon 2375 is replaced by histidine, an amino acid with highly similar properties. This amino acid position is highly conserved in available vertebrate species. In addition, in silico predictors for this gene do not accurately predict pathogenicity. Missense alterations in APC are not a common cause of disease (Spier I et al. Genet Med. 2024 Feb;26(2):100992). Since supporting evidence is limited at this time, the clinical significance of this alteration remains unclear.

Color Diagnostics, LLC DBA Color Health
Classification: Uncertain significance for Hereditary cancer-predisposing syndrome. Last evaluated: 2025-03-03. Review status: criteria provided, single submitter. Criteria: ACMG Guidelines, 2015. Collection method: clinical testing. Allele origin: germline.
Comment: This missense variant replaces glutamine with histidine at codon 2375 of the APC protein. Computational prediction is inconclusive regarding the impact of this variant on protein structure and function (internally defined REVEL score threshold 0.5 < inconclusive < 0.7, PMID: 27666373). To our knowledge, functional studies have not been reported for this variant. This variant has not been reported in individuals affected with APC-related disorders in the literature. This variant has not been identified in the general population by the Genome Aggregation Database (gnomAD). The available evidence is insufficient to determine the role of this variant in disease conclusively. Therefore, this variant is classified as a Variant of Uncertain Significance.

Labcorp Genetics (formerly Invitae), Labcorp
Classification: Uncertain significance for Familial adenomatous polyposis 1. Last evaluated: 2024-10-29. Review status: criteria provided, single submitter. Criteria: Invitae Variant Classification Sherloc (09022015). Collection method: clinical testing. Allele origin: germline.
Comment: This sequence change replaces glutamine, which is neutral and polar, with histidine, which is basic and polar, at codon 2375 of the APC protein (p.Gln2375His). This variant is not present in population databases (gnomAD no frequency). This variant has not been reported in the literature in individuals affected with APC-related conditions. ClinVar contains an entry for this variant (Variation ID: 851893). Invitae Evidence Modeling of protein sequence and biophysical properties (such as structural, functional, and spatial information, amino acid conservation, physicochemical variation, residue mobility, and thermodynamic stability) indicates that this missense variant is not expected to disrupt APC protein function with a negative predictive value of 95%. In summary, the available evidence is currently insufficient to determine the role of this variant in disease. Therefore, it has been classified as a Variant of Uncertain Significance.

GeneDx
Classification: Uncertain significance. Last evaluated: 2020-02-27. Review status: criteria provided, single submitter. Criteria: GeneDx Variant Classification Process June 2021. Collection method: clinical testing. Allele origin: germline. Affected: yes.
Comment: Not observed in large population cohorts (Lek et al., 2016); In silico analysis supports that this missense variant does not alter protein structure/function; Has not been previously published as pathogenic or benign to our knowledge

NM_000038.6(APC):c.7125A>C (p.Gln2375His)

Gene: APC (APC regulator of Wnt signaling pathway; plus strand). Cytogenetic location: 5q22.2.
Variant type: single nucleotide variant.
Coding change: c.7125A>C on transcript NM_000038.6 (MANE Select); coding-DNA position 7125, A replaced by C.
Protein change: p.Gln2375His; replaces glutamine 2375 with histidine.
Molecular consequence: missense variant.
Genome position (GRCh38, 1-based): chr5:112,842,719, A>C. VCF-style: chr5-112842719-A-C. GRCh37 (hg19) VCF-style: chr5-112178416-A-C.
Other names: c.7125A>C, p.Gln2375His (NM_001127510.3, NM_001354895.2); c.7071A>C, p.Gln2357His (NM_001127511.3); c.7179A>C, p.Gln2393His (NM_001354896.2); c.7155A>C, p.Gln2385His (NM_001354897.2); c.7050A>C, p.Gln2350His (NM_001354898.2); c.7041A>C, p.Gln2347His (NM_001354899.2); c.7002A>C, p.Gln2334His (NM_001354900.2); c.6948A>C, p.Gln2316His (NM_001354901.2); and 5 more; short protein forms Q2092H, Q2274H, Q2347H, Q2375H, Q2393H, Q2284H, Q2316H, Q2334H.
Identifiers: ClinVar variation 851893 (VCV000851893.17), dbSNP rs587780603, ClinGen allele CA16036850.